The following is an entry in ClinVar:

ClinVar aggregate classification (germline): Uncertain significance. Review status: criteria provided, multiple submitters, no conflicts (2 of 4 stars). 2 submissions from 2 submitters: Uncertain significance (2). Last evaluated 2026-09-14.

Conditions:
EYS-related disorder. Also called: EYS-related condition.

gnomAD v4.1: 51 of 1,550,206 alleles (0.0033%); highest among the groups gnomAD compares: African/African-American, 0.066%; no homozygotes.

Submissions (2):

PreventionGenetics, part of Exact Sciences
Classification: Uncertain significance for EYS-related condition. Last evaluated: 2026-09-14. Review status: criteria provided, single submitter. Criteria: ACMG Guidelines, 2015. Collection method: clinical testing. Allele origin: germline.
Comment: The EYS c.3079A>G variant is predicted to result in the amino acid substitution p.Thr1027Ala. To our knowledge, this variant has not been reported in the literature. This variant is reported in 0.054% of alleles in individuals of African descent in gnomAD, which may be too frequent to be a primary cause of disease. Although we suspect that this variant may be benign, at this time, the clinical significance of this variant is uncertain due to the absence of conclusive functional and genetic evidence.

Blueprint Genetics
Classification: Uncertain significance. Last evaluated: 2024-10-02. Review status: criteria provided, single submitter. Criteria: ACMG Guidelines, 2015. Collection method: clinical testing. Allele origin: germline.

NM_001142800.2(EYS):c.3079A>G (p.Thr1027Ala)

Gene: EYS (EGF-like photoreceptor maintenance factor; minus strand). Cytogenetic location: 6q12.
Variant type: single nucleotide variant.
Coding change: c.3079A>G on transcript NM_001142800.2 (MANE Select); coding-DNA position 3079, A replaced by G.
Protein change: p.Thr1027Ala; replaces threonine 1027 with alanine.
Molecular consequence: missense variant.
Genome position (GRCh38, 1-based): chr6:64,822,736, T>C on the plus strand (A>G on the coding strand, the complement: EYS is on the minus strand). VCF-style: chr6-64822736-T-C. GRCh37 (hg19) VCF-style: chr6-65532629-T-C.
Other names: c.3079A>G (NM_001142800.1); c.3079A>G, p.Thr1027Ala (NM_001292009.2); short protein forms T1027A.
Identifiers: ClinVar variation 4892642 (VCV004892642.2).